The following is an entry in ClinVar:

NM_017617.5(NOTCH1):c.5418G>A (p.Met1806Ile)

Gene: NOTCH1 (notch receptor 1; minus strand). Cytogenetic location: 9q34.3.
Variant type: single nucleotide variant.
Coding change: c.5418G>A on transcript NM_017617.5 (MANE Select); coding-DNA position 5418, G replaced by A.
Protein change: p.Met1806Ile; replaces methionine 1806 with isoleucine.
Molecular consequence: missense variant.
Genome position (GRCh38, 1-based): chr9:136,502,055, C>T on the plus strand (G>A on the coding strand, the complement: NOTCH1 is on the minus strand). VCF-style: chr9-136502055-C-T. GRCh37 (hg19) VCF-style: chr9-139396507-C-T.
Other names: c.5418G>A, p.Met1806Ile (LRG_1122t1); short protein forms M1806I.
Identifiers: ClinVar variation 644146 (VCV000644146.8), dbSNP rs556708225, ClinGen allele CA5340276.
Genomic context (GRCh38, chr9:136,502,055, plus strand): 5'-ACTCACCCGGAACTTCTTGGTCTCCAGGTCCTCGTCCCCCCACTCATTCTGGTTGTCGTC[C>T]ATGAGGGCACCGTCTGAAGCGTTCTTCAGGGGCCTGGGGGGTGAGGGGTCGAGAAGTGAG-3'
Protein context (NP_060087.3, residues 1796-1816): PLKNASDGAL[Met1806Ile]DDNQNEWGDE

ClinVar aggregate classification (germline): Uncertain significance (1 of 4 stars; one submission).

Conditions:
Adams-Oliver syndrome 5 (AOS5). Identifiers: Orphanet 974, MedGen C4014970, MONDO:0014459, OMIM 616028.

Allele frequency attached by ClinVar (database versions not stated): gnomAD below 0.00001 and 0.00002; TOPMed below 0.00001; gnomAD exomes 0.00004 and 0.00005; ExAC 0.00008.

Submission:

Labcorp Genetics (formerly Invitae), Labcorp
Classification: Uncertain significance for Adams-Oliver syndrome 5. Last evaluated: 2018-10-30. Review status: criteria provided, single submitter. Criteria: Invitae Variant Classification Sherloc (09022015). Collection method: clinical testing. Allele origin: germline.
Comment: Algorithms developed to predict the effect of missense changes on protein structure and function output the following: SIFT: "Deleterious"; PolyPhen-2: "Benign"; Align-GVGD: "Class C0". The isoleucine amino acid residue is found in multiple mammalian species, suggesting that this missense change does not adversely affect protein function. These predictions have not been confirmed by published functional studies and their clinical significance is uncertain. In summary, the available evidence is currently insufficient to determine the role of this variant in disease. Therefore, it has been classified as a Variant of Uncertain Significance. Algorithms developed to predict the effect of sequence changes on RNA splicing suggest that this variant may create or strengthen a splice site, but this prediction has not been confirmed by published transcriptional studies. This variant has not been reported in the literature in individuals with NOTCH1-related disease. This variant is present in population databases (rs556708225, ExAC 0.06%), and has an allele count higher than expected for a pathogenic variant (PMID: 28166811). This sequence change replaces methionine with isoleucine at codon 1806 of the NOTCH1 protein (p.Met1806Ile). The methionine residue is highly conserved and there is a small physicochemical difference between methionine and isoleucine.

Literature cited by the submitters: PubMed 28166811.